The following is an entry in ClinVar:

NM_000256.3(MYBPC3):c.2827C>T (p.Arg943Ter)

Gene: MYBPC3 (myosin binding protein C3; minus strand). Cytogenetic location: 11p11.2.
Variant type: single nucleotide variant.
Coding change: c.2827C>T on transcript NM_000256.3 (MANE Select); coding-DNA position 2827, C replaced by T.
Protein change: p.Arg943Ter; replaces arginine 943 with a stop codon.
Molecular consequence: nonsense.
Genome position (GRCh38, 1-based): chr11:47,335,120, G>A on the plus strand (C>T on the coding strand, the complement: MYBPC3 is on the minus strand). VCF-style: chr11-47335120-G-A. GRCh37 (hg19) VCF-style: chr11-47356671-G-A.
Other names: p.R943*:CGA>TGA; short protein forms R943*.
Identifiers: ClinVar variation 37039 (VCV000037039.56), dbSNP rs387907267, ClinGen allele CA013001.

ClinVar aggregate classification (germline): Pathogenic. Review status: criteria provided, multiple submitters, no conflicts (2 of 4 stars). 29 submissions from 29 submitters: Pathogenic (22). 7 of the submissions do not count toward it. Last evaluated 2026-09-04.

Conditions:
MYBPC3-related disorder. Also called: MYBPC3-related condition; MYBPC3-related disease; MYBPC3-related disorders.
Cardiovascular phenotype. Identifiers: MedGen CN230736.
Cardiomyopathy (CMYO). Also called: Cardiomyopathies. Identifiers: Orphanet 167848, MedGen C0878544, MONDO:0004994, HP:0001638. Inheritance: Various modes of inheritance.
Hypertrophic cardiomyopathy 4. Also called: Familial hypertrophic cardiomyopathy 4. Identifiers: MedGen C1861862, MONDO:0007268, OMIM 115197.
Hypertrophic cardiomyopathy. Also called: HYPERTROPHIC MYOCARDIOPATHY. Identifiers: Orphanet 217569, MedGen C0007194, MeSH D002312, MONDO:0005045, HP:0001639.

Allele frequency attached by ClinVar (database versions not stated): TOPMed below 0.00001; ExAC 0.00002; gnomAD 0.00003 and 0.00002; gnomAD exomes 0.00001.
gnomAD v4.1: 21 of 1,612,276 alleles (0.0013%); highest among the groups gnomAD compares: South Asian, 0.0099%; no homozygotes.

Submissions 1 to 8 of 29:

PreventionGenetics, part of Exact Sciences
Classification: Pathogenic for MYBPC3-related condition. Last evaluated: 2026-09-04. Review status: criteria provided, single submitter. Criteria: ACMG Guidelines, 2015. Collection method: clinical testing. Allele origin: germline.
Comment: The MYBPC3 c.2827C>T variant is predicted to result in premature protein termination (p.Arg943*). This variant has been reported in multiple individuals with hypertrophic cardiomyopathy (see for example, Tables S1A and S1B, Walsh et al. 2017. PubMed ID: 27532257; van Velzen et al. 2017. PubMed ID: 28794111) and has been described as a founder variant in the Dutch population (Christiaans et al. 2010. PubMed ID: 20505798). It has also been reported in the compound heterozygous state in an individual with neonatal hypertrophic cardiomyopathy (Alsters et al. 2019. PubMed ID: 30742251). This variant is reported in 0.0066% of alleles in individuals of South Asian descent in gnomAD. Nonsense variants in MYBPC3 are expected to be pathogenic. This variant is interpreted as pathogenic.

Ambry Genetics
Classification: Pathogenic for Cardiovascular phenotype. Last evaluated: 2026-03-04. Review status: criteria provided, single submitter. Criteria: Ambry Variant Classification Scheme 2023. Collection method: clinical testing. Allele origin: germline.
Comment: The c.2827C>T (p.R943*) alteration, located in exon 27 (coding exon 27) of the MYBPC3 gene, consists of a C to T substitution at nucleotide position 2827. This changes the amino acid from a arginine (R) to a stop codon at amino acid position 943. This variant is expected to result in loss of function by premature protein truncation or nonsense-mediated mRNA decay. Based on data from gnomAD, the T allele has an overall frequency of 0.001% (3/247124) total alleles studied. The highest observed frequency was 0.007% (2/30444) of South Asian alleles. This variant was reported in individual(s) with features consistent with hypertrophic cardiomyopathy, and has been reported as a Dutch founder mutation (Van Driest, 2004; Michels, 2007; Michels, 2009; Christiaans, 2010; Brito, 2012; Hathaway, 2021). This variant has been reported as occurring in the homozygous state and also with other alterations in patients with severe, early onset disease with and without other findings such as skeletal myopathy, non-compaction and congenital heart defects (Lekanne Deprez, 2006; Tajsharghi, 2010; Berge, 2014; Wessels, 2015; van Velzen, 2017). Based on the available evidence, this alteration is classified as pathogenic.

Dasa
Classification: Pathogenic. Last evaluated: 2026-02-03. Review status: criteria provided, single submitter. Criteria: DASA Assertion Criteria. Collection method: clinical testing. Allele origin: germline.
Comment: NM_000256.3(MYBPC3):c.2827C>T (p.Arg943*) introduces a premature termination codon predicted to result in loss of normal protein function. Loss-of-function is an established mechanism of disease for this gene. This variant has been observed in affected individuals with related phenotype in a genotype context consistent with recessive disease (PMID: 33049255; PMID: 16679492; PMID: 20624503; PMID: 22857948; PMID: 23233322). This variant has been recurrently observed in individuals with related phenotype (PMID: 33049255; PMID: 16679492; PMID: 20624503; PMID: 22857948; PMID: 23233322). The variant is present at low frequency in population datasets. Based on the available data, this variant is classified as pathogenic.

Labcorp Genetics (formerly Invitae), Labcorp
Classification: Pathogenic for Hypertrophic cardiomyopathy. Last evaluated: 2026-01-13. Review status: criteria provided, single submitter. Criteria: Invitae Variant Classification Sherloc (09022015). Collection method: clinical testing. Allele origin: germline.
Comment: This sequence change creates a premature translational stop signal (p.Arg943*) in the MYBPC3 gene. It is expected to result in an absent or disrupted protein product. Loss-of-function variants in MYBPC3 are known to be pathogenic (PMID: 19574547). This variant is present in population databases (rs387907267, gnomAD 0.007%). This premature translational stop signal has been observed in individuals with hypertrophic cardiomyopathy (PMID: 19574547, 20505798, 20624503, 22574137, 22857948, 23233322, 24111713, 25335496). It is commonly reported in individuals of Dutch ancestry (PMID: 19574547, 20505798, 20624503, 22574137, 22857948, 23233322, 24111713, 25335496). ClinVar contains an entry for this variant (Variation ID: 37039). Algorithms developed to predict the effect of sequence changes on RNA splicing suggest that this variant may disrupt the consensus splice site. For these reasons, this variant has been classified as Pathogenic.

3billion
Classification: Pathogenic for Hypertrophic cardiomyopathy 4. Last evaluated: 2025-08-28. Review status: criteria provided, single submitter. Criteria: ACMG Guidelines, 2015. Collection method: clinical testing. Allele origin: germline. Affected: yes.
Comment: The variant is observed at an extremely low frequency in the gnomAD v4.1.0 dataset (total allele frequency: 0.001%). Predicted Consequence/Location: Stop-gained (nonsense): predicted to result in a loss or disruption of normal protein function through nonsense-mediated decay (NMD) or protein truncation. Multiple pathogenic variants are reported downstream of the variant. The variant has been reported at least twice as pathogenic with clinical assertions and evidence for the classification (ClinVar ID: VCV000037039 /PMID: 14563344 /3billion dataset). Therefore, this variant is classified as Pathogenic according to the recommendation of ACMG/AMP guideline.

Clinical Genetics Laboratory, Region Ostergotland
Classification: Pathogenic for Hypertrophic cardiomyopathy 4. Last evaluated: 2025-01-20. Review status: criteria provided, single submitter. Criteria: ACMG Guidelines, 2015. Collection method: clinical testing. Allele origin: germline. Affected: yes. Observed: 1 variant allele, 1 heterozygote.
Comment: The following ACMG/AMP criteria were applied in classifying this variant:: PVS1, PS4, PS3

Blueprint Genetics
Classification: Pathogenic for MYBPC3-related disorders. Last evaluated: 2024-11-07. Review status: criteria provided, single submitter. Criteria: ACMG Guidelines, 2015. Collection method: clinical testing. Allele origin: germline. Affected: yes. Observed: 5 variant alleles.

All of Us Research Program, National Institutes of Health
Classification: Pathogenic for Hypertrophic cardiomyopathy. Last evaluated: 2024-01-22. Review status: criteria provided, single submitter. Criteria: ACMG Guidelines, 2015. Collection method: clinical testing. Allele origin: germline. Inheritance: Autosomal dominant inheritance. Observed: 2 variant alleles, 2 heterozygotes.
Comment: This variant changes 1 nucleotide in exon 27 of the MYBPC3 gene, creating a premature translation stop signal. This variant is expected to result in an absent or non-functional protein product. Functional RNA studies using cardiac tissue derived from a heterozygous carrier individual have shown that this variant causes a significant reduction in MYBPC3 mRNA levels (PMID: 33757590). This variant has been observed in over 20 unrelated individuals affected with hypertrophic cardiomyopathy (PMID: 16679492, 20624503, 22857948, 23233322, 24111713, 25335496, 27532257, 31006259, 31513939, 33757590, 36252119, 36835444) and is considered to be a founder mutation in the Dutch population (PMID: 20505798, 28794111). This variant has been reported to cause lethal cardiomyopathy or severe neonatal hypertrophic cardiomyopathy in individuals who were homozygous or compound heterozygous with another pathogenic mutation (PMID: 16679492, 24111713, 25335496, 30742251, 36178741). It has also been reported in two individuals affected with left ventricular noncompaction who both carried an additional different pathogenic variant (PMID: 31918855, 37963751), and in one individual affected with atrioventricular block (PMID: 35470684). This variant has been identified in 3/247124 chromosomes in the general population by the Genome Aggregation Database (gnomAD). Loss of MYBPC3 function is a known mechanism of disease. Based on available evidence, this variant is classified as Pathogenic.

This study involves interpretation of variants in research participants for the purpose of population health screening. Participant phenotype was not available at the time of variant classification. Additional details can be found in publication PMID: 35346344, PMCID: PMC8962531